The following is an entry in ClinVar:

ClinVar aggregate classification (germline): Uncertain significance (1 of 4 stars; one submission).

Conditions:
Epilepsy, childhood absence, susceptibility to, 5. Identifiers: Orphanet 64280, MedGen C2677087, MONDO:0012843, OMIM 612269.
Epilepsy, childhood absence, susceptibility to, 1. Also called: Epilepsy, childhood absence 1. Identifiers: Orphanet 64280, MedGen C1838604, MONDO:0020759, OMIM 600131.

Allele frequency attached by ClinVar (database versions not stated): TOPMed below 0.00001; ExAC 0.00001; 1000 Genomes Project 0.00020.

Submission:

Labcorp Genetics (formerly Invitae), Labcorp
Classification: Uncertain significance for Epilepsy, childhood absence, susceptibility to, 5; Epilepsy, childhood absence, susceptibility to, 1. Last evaluated: 2019-04-06. Review status: criteria provided, single submitter. Criteria: Invitae Variant Classification Sherloc (09022015). Collection method: clinical testing. Allele origin: germline.
Comment: In summary, the available evidence is currently insufficient to determine the role of this variant in disease. Therefore, it has been classified as a Variant of Uncertain Significance. Algorithms developed to predict the effect of sequence changes on RNA splicing suggest that this variant may create or strengthen a splice site, but this prediction has not been confirmed by published transcriptional studies. This variant has not been reported in the literature in individuals with GABRB3-related conditions. The frequency data for this variant in the population databases is considered unreliable, as metrics indicate poor data quality at this position in the ExAC database. This sequence change results in a premature translational stop signal in the GABRB3 gene (p.Arg414*). While this is not anticipated to result in nonsense mediated decay, it is expected to disrupt the last 60 amino acids of the GABRB3 protein.

NM_000814.6(GABRB3):c.1240C>T (p.Arg414Ter)

Gene: GABRB3 (gamma-aminobutyric acid type A receptor subunit beta3; minus strand). Cytogenetic location: 15q12.
Variant type: single nucleotide variant.
Coding change: c.1240C>T on transcript NM_000814.6 (MANE Select); coding-DNA position 1240, C replaced by T.
Protein change: p.Arg414Ter; replaces arginine 414 with a stop codon.
Molecular consequence: nonsense.
Genome position (GRCh38, 1-based): chr15:26,547,975, G>A on the plus strand (C>T on the coding strand, the complement: GABRB3 is on the minus strand). VCF-style: chr15-26547975-G-A. GRCh37 (hg19) VCF-style: chr15-26793122-G-A.
Other names: c.985C>T, p.Arg329Ter (NM_001191320.2, NM_001278631.2); c.1027C>T, p.Arg343Ter (NM_001191321.3); c.1240C>T, p.Arg414Ter (NM_021912.5); short protein forms R343*, R414*, R329*.
Identifiers: ClinVar variation 848888 (VCV000848888.7), dbSNP rs536564598, ClinGen allele CA7437281.
Genomic context (GRCh38, chr15:26,547,975, plus strand): 5'-GTGAAGACCTCCTCCGTAGATGGGTCTTCTTGTGCGGGAGGCTTCTGTCCCCCAGGAATC[G>A]CCCATGCCCTTCTCGAGGCATGCTCTGTTTCCTGTACTGGATTCCTGAGTTGTCAAAGGA-3'